The following is an entry in ClinVar:

NM_021930.6(RINT1):c.948G>T (p.Arg316Ser)

Gene: RINT1 (RAD50 interactor 1; plus strand). Cytogenetic location: 7q22.3.
Variant type: single nucleotide variant.
Coding change: c.948G>T on transcript NM_021930.6 (MANE Select); coding-DNA position 948, G replaced by T.
Protein change: p.Arg316Ser; replaces arginine 316 with serine.
Molecular consequence: missense variant. On other transcripts: 5 prime UTR variant (1), non-coding transcript variant (1), intron variant (1).
Genome position (GRCh38, 1-based): chr7:105,548,662, G>T. VCF-style: chr7-105548662-G-T. GRCh37 (hg19) VCF-style: chr7-105189109-G-T.
Other names: c.714G>T, p.Arg238Ser (NM_001346599.2); c.-72G>T (NM_001346600.2); c.24G>T, p.Arg8Ser (NM_001346601.2); c.-27-1393G>T (NM_001346603.2); short protein forms R316S, R238S, R8S.
Identifiers: ClinVar variation 1767125 (VCV001767125.2), dbSNP rs2485127969, ClinGen allele CA368808044.

ClinVar aggregate classification (germline): Uncertain significance (1 of 4 stars; one submission).

Submission:

Ambry Genetics
Classification: Uncertain significance. Last evaluated: 2021-04-19. Review status: criteria provided, single submitter. Criteria: Ambry Variant Classification Scheme 2023. Collection method: clinical testing. Allele origin: germline.
Comment: The p.R316S variant (also known as c.948G>T), located in coding exon 7 of the RINT1 gene, results from a G to T substitution at nucleotide position 948. The arginine at codon 316 is replaced by serine, an amino acid with dissimilar properties. This amino acid position is highly conserved in available vertebrate species. In addition, this alteration is predicted to be deleterious by in silico analysis. Since supporting evidence is limited at this time, the clinical significance of this alteration remains unclear.